The following is an entry in ClinVar:

ClinVar aggregate classification (germline): Likely benign (1 of 4 stars; one submission).

Allele frequency attached by ClinVar (database versions not stated): gnomAD exomes below 0.00001 and 0.00001; ExAC 0.00002.
gnomAD v4.1: 2 of 1,613,974 alleles (0.00012%); highest among the groups gnomAD compares: South Asian, 0.0011%; no homozygotes.

Submission:

GeneDx
Classification: Likely benign. Last evaluated: 2016-01-26. Review status: criteria provided, single submitter. Criteria: GeneDx Variant Classification (06012015). Collection method: clinical testing. Allele origin: germline. Affected: yes.
Comment: This variant is considered likely benign or benign based on one or more of the following criteria: it is a conservative change, it occurs at a poorly conserved position in the protein, it is predicted to be benign by multiple in silico algorithms, and/or has population frequency not consistent with disease.

NM_032634.4(PIGO):c.2298G>A (p.Leu766=)

Gene: PIGO (phosphatidylinositol glycan anchor biosynthesis class O; minus strand). Cytogenetic location: 9p13.3.
Variant type: single nucleotide variant.
Coding change: c.2298G>A on transcript NM_032634.4 (MANE Select); coding-DNA position 2298, G replaced by A.
Protein change: p.Leu766=; no amino-acid change (leucine 766 retained).
Molecular consequence: synonymous variant. On other transcripts: intron variant (2).
Genome position (GRCh38, 1-based): chr9:35,091,589, C>T on the plus strand (G>A on the coding strand, the complement: PIGO is on the minus strand). VCF-style: chr9-35091589-C-T. GRCh37 (hg19) VCF-style: chr9-35091586-C-T.
Other names: c.1345-298G>A (NM_152850.4, NM_001201484.2).
Identifiers: ClinVar variation 383123 (VCV000383123.1), dbSNP rs762673020, ClinGen allele CA5040448.